The following is an entry in ClinVar:

ClinVar aggregate classification (germline): Likely benign (0 of 4 stars; one submission).

Conditions:
LEPR-related disorder. Also called: LEPR-related condition; LEPR-related disorders.

gnomAD v4.1: 1 of 1,613,650 alleles (0.000062%); highest among the groups gnomAD compares: Non-Finnish European, 0.000085%; no homozygotes.

Submission:

PreventionGenetics, part of Exact Sciences
Classification: Likely benign for LEPR-related condition. Last evaluated: 2022-02-10. Review status: no assertion criteria provided. Collection method: clinical testing. Allele origin: germline.
Comment: This variant is classified as likely benign based on ACMG/AMP sequence variant interpretation guidelines (Richards et al. 2015 PMID: 25741868, with internal and published modifications).

NM_002303.6(LEPR):c.1230G>A (p.Val410=)

Gene: LEPR (leptin receptor; plus strand). Cytogenetic location: 1p31.3.
Variant type: single nucleotide variant.
Coding change: c.1230G>A on transcript NM_002303.6 (MANE Select); coding-DNA position 1230, G replaced by A.
Protein change: p.Val410=; no amino-acid change (valine 410 retained).
Molecular consequence: synonymous variant.
Genome position (GRCh38, 1-based): chr1:65,601,627, G>A. VCF-style: chr1-65601627-G-A. GRCh37 (hg19) VCF-style: chr1-66067310-G-A.
Other names: c.1230G>A, p.Val410= (NM_001003679.3, NM_001003680.3, NM_001198687.2 and 2 more transcripts).
Identifiers: ClinVar variation 3355555 (VCV003355555.1).